The following is an entry in ClinVar:

ClinVar aggregate classification (germline): Uncertain significance. Review status: criteria provided, multiple submitters, no conflicts (2 of 4 stars). 2 submissions from 2 submitters: Uncertain significance (2). Last evaluated 2024-01-01.

Submissions (2):

Ambry Genetics
Classification: Uncertain significance. Last evaluated: 2024-01-01. Review status: criteria provided, single submitter. Criteria: Ambry Variant Classification Scheme 2023. Collection method: clinical testing. Allele origin: germline.
Comment: The p.C734R variant (also known as c.2200T>C), located in coding exon 15 of the RINT1 gene, results from a T to C substitution at nucleotide position 2200. The cysteine at codon 734 is replaced by arginine, an amino acid with highly dissimilar properties. This amino acid position is conserved. In addition, this alteration is predicted to be deleterious by in silico analysis. Since supporting evidence is limited at this time, the clinical significance of this alteration remains unclear.

Labcorp Genetics (formerly Invitae), Labcorp
Classification: Uncertain significance. Last evaluated: 2023-12-26. Review status: criteria provided, single submitter. Criteria: Invitae Variant Classification Sherloc (09022015). Collection method: clinical testing. Allele origin: germline.
Comment: This sequence change replaces cysteine, which is neutral and slightly polar, with arginine, which is basic and polar, at codon 734 of the RINT1 protein (p.Cys734Arg). This variant is not present in population databases (gnomAD no frequency). This variant has not been reported in the literature in individuals affected with RINT1-related conditions. ClinVar contains an entry for this variant (Variation ID: 1417209). An algorithm developed to predict the effect of missense changes on protein structure and function (PolyPhen-2) suggests that this variant is likely to be disruptive. In summary, the available evidence is currently insufficient to determine the role of this variant in disease. Therefore, it has been classified as a Variant of Uncertain Significance.

NM_021930.6(RINT1):c.2200T>C (p.Cys734Arg)

Genes: EFCAB10 (EF-hand calcium binding domain 10; minus strand), RINT1 (RAD50 interactor 1; plus strand). Cytogenetic location: 7q22.3.
Variant type: single nucleotide variant.
Coding change: c.2200T>C on transcript NM_021930.6 (MANE Select); coding-DNA position 2200, T replaced by C.
Protein change: p.Cys734Arg; replaces cysteine 734 with arginine.
Molecular consequence: missense variant. On other transcripts: 3 prime UTR variant (2), non-coding transcript variant (1), intron variant (3).
Genome position (GRCh38, 1-based): chr7:105,567,132, T>C. VCF-style: chr7-105567132-T-C. GRCh37 (hg19) VCF-style: chr7-105207579-T-C.
Other names: c.*322A>G (NM_001355527.2, NM_001355529.2); c.1966T>C, p.Cys656Arg (NM_001346599.2); c.1177T>C, p.Cys393Arg (NM_001346600.2, NM_001346603.2); c.1276T>C, p.Cys426Arg (NM_001346601.2); c.360-1685A>G (NM_001355531.2); c.383+335A>G (NM_001355526.2, NM_001355530.2); short protein forms C393R, C426R, C734R, C656R.
Identifiers: ClinVar variation 1417209 (VCV001417209.9), dbSNP rs2133495735, ClinGen allele CA368815379.